The following is an entry in ClinVar:

ClinVar aggregate classification (germline): Uncertain significance (1 of 4 stars; one submission).

Conditions:
Rubinstein-Taybi syndrome due to EP300 haploinsufficiency. Also called: EP300-Related Rubinstein-Taybi Syndrome; RUBINSTEIN-TAYBI SYNDROME 2. Identifiers: Orphanet 353284, Orphanet 783, MedGen C3150941, MONDO:0013364, OMIM 613684.

Allele frequency attached by ClinVar (database versions not stated): TOPMed below 0.00001.
gnomAD v4.1: 2 of 1,614,084 alleles (0.00012%); highest among the groups gnomAD compares: Non-Finnish European, 0.00017%; no homozygotes.

Submission:

Baylor Genetics
Classification: Uncertain significance for Rubinstein-Taybi syndrome due to EP300 haploinsufficiency. Last evaluated: 2018-12-13. Review status: criteria provided, single submitter. Criteria: ACMG Guidelines, 2015. Collection method: clinical testing. Allele origin: paternal. Affected: yes.
Comment: This variant was determined to be of uncertain significance according to ACMG Guidelines, 2015 [PMID:25741868].

NM_001429.4(EP300):c.6815C>T (p.Pro2272Leu)

Gene: EP300 (EP300 lysine acetyltransferase; plus strand). Cytogenetic location: 22q13.2.
Variant type: single nucleotide variant.
Coding change: c.6815C>T on transcript NM_001429.4 (MANE Select); coding-DNA position 6815, C replaced by T.
Protein change: p.Pro2272Leu; replaces proline 2272 with leucine.
Molecular consequence: missense variant.
Genome position (GRCh38, 1-based): chr22:41,178,526, C>T. VCF-style: chr22-41178526-C-T. GRCh37 (hg19) VCF-style: chr22-41574530-C-T.
Other names: c.6737C>T, p.Pro2246Leu (NM_001362843.2); short protein forms P2272L, P2246L.
Identifiers: ClinVar variation 1033842 (VCV001033842.1), dbSNP rs1386526100, ClinGen allele CA411682803.